The following is an entry in ClinVar:

NM_030943.4(AMN):c.890C>A (p.Ser297Ter)

Gene: AMN (amnion associated transmembrane protein; plus strand). Cytogenetic location: 14q32.32.
Variant type: single nucleotide variant.
Coding change: c.890C>A on transcript NM_030943.4 (MANE Select); coding-DNA position 890, C replaced by A.
Protein change: p.Ser297Ter; replaces serine 297 with a stop codon.
Molecular consequence: nonsense.
Genome position (GRCh38, 1-based): chr14:102,929,970, C>A. VCF-style: chr14-102929970-C-A. GRCh37 (hg19) VCF-style: chr14-103396307-C-A.
Other names: c.728C>A, p.Ser243Ter (NM_001425246.1); short protein forms S297*, S243*.
Identifiers: ClinVar variation 2993998 (VCV002993998.3), dbSNP rs770793845, ClinGen allele CA267175418.

ClinVar aggregate classification (germline): Pathogenic (1 of 4 stars; one submission).

Conditions:
Imerslund-Grasbeck syndrome. Also called: Imerslund-Gräsbeck syndrome; Megaloblastic anemia due to inborn errors of metabolism; ENTEROCYTE COBALAMIN MALABSORPTION; ENTEROCYTE INTRINSIC FACTOR RECEPTOR, DEFECT OF; PERNICIOUS ANEMIA, JUVENILE, DUE TO SELECTIVE INTESTINAL MALABSORPTION OF VITAMIN B12, WITH PROTEINURIA. Identifiers: Orphanet 35858, MedGen C4551825, MONDO:0009853.

Submission:

Labcorp Genetics (formerly Invitae), Labcorp
Classification: Pathogenic for Imerslund-Grasbeck syndrome. Last evaluated: 2023-01-14. Review status: criteria provided, single submitter. Criteria: Invitae Variant Classification Sherloc (09022015). Collection method: clinical testing. Allele origin: germline.
Comment: For these reasons, this variant has been classified as Pathogenic. This variant has not been reported in the literature in individuals affected with AMN-related conditions. This variant is not present in population databases (gnomAD no frequency). This sequence change creates a premature translational stop signal (p.Ser297*) in the AMN gene. It is expected to result in an absent or disrupted protein product. Loss-of-function variants in AMN are known to be pathogenic (PMID: 12590260, 22929189).

Literature cited by the submitters: PubMed 12590260; PubMed 22929189.